The following is an entry in ClinVar:

ClinVar aggregate classification (germline): Likely benign (1 of 4 stars; one submission).

gnomAD v4.1: 40 of 1,532,880 alleles (0.0026%); highest among the groups gnomAD compares: Admixed American, 0.066%; 1 homozygote.

Submission:

CeGaT Center for Human Genetics Tuebingen
Classification: Likely benign. Last evaluated: 2026-01-01. Review status: criteria provided, single submitter. Criteria: CeGaT Center For Human Genetics Tuebingen Variant Classification Criteria Version 2. Collection method: clinical testing. Allele origin: germline. Affected: yes. Observed: 1 variant allele.
Comment: CAMK4: BP4

NM_001744.6(CAMK4):c.240+8T>G

Gene: CAMK4 (calcium/calmodulin dependent protein kinase IV; plus strand). Cytogenetic location: 5q22.1.
Variant type: single nucleotide variant.
Coding change: c.240+8T>G on transcript NM_001744.6 (MANE Select); 8 bases into the intron after coding-DNA position 240, T replaced by G.
Molecular consequence: intron variant.
Genome position (GRCh38, 1-based): chr5:111,344,110, T>G. VCF-style: chr5-111344110-T-G. GRCh37 (hg19) VCF-style: chr5-110679808-T-G.
Other names: c.240+8T>G (NM_001323375.2, NM_001323374.2); c.-269+8T>G (NM_001323377.2); c.-206+8T>G (NM_001323376.2).
Identifiers: ClinVar variation 4822773 (VCV004822773.4).